The following is an entry in ClinVar:

ClinVar aggregate classification (germline): Uncertain significance (1 of 4 stars; one submission).

Conditions:
Cardiovascular phenotype. Identifiers: MedGen CN230736.

gnomAD v4.1: 1 of 1,613,540 alleles (0.000062%); no homozygotes.

Submission:

Ambry Genetics
Classification: Uncertain significance for Cardiovascular phenotype. Last evaluated: 2020-11-25. Review status: criteria provided, single submitter. Criteria: Ambry Variant Classification Scheme 2023. Collection method: clinical testing. Allele origin: germline.
Comment: The p.H687Q variant (also known as c.2061T>A), located in coding exon 13 of the SCN10A gene, results from a T to A substitution at nucleotide position 2061. The histidine at codon 687 is replaced by glutamine, an amino acid with highly similar properties. This amino acid position is not well conserved in available vertebrate species. In addition, the in silico prediction for this alteration is inconclusive. Since supporting evidence is limited at this time, the clinical significance of this alteration remains unclear.

NM_006514.4(SCN10A):c.2061T>A (p.His687Gln)

Gene: SCN10A (sodium voltage-gated channel alpha subunit 10; minus strand). Cytogenetic location: 3p22.2.
Variant type: single nucleotide variant.
Coding change: c.2061T>A on transcript NM_006514.4 (MANE Select); coding-DNA position 2061, T replaced by A.
Protein change: p.His687Gln; replaces histidine 687 with glutamine.
Molecular consequence: missense variant.
Genome position (GRCh38, 1-based): chr3:38,742,336, A>T on the plus strand (T>A on the coding strand, the complement: SCN10A is on the minus strand). VCF-style: chr3-38742336-A-T. GRCh37 (hg19) VCF-style: chr3-38783827-A-T.
Other names: c.2061T>A, p.His687Gln (NM_001293306.2); c.1767T>A, p.His589Gln (NM_001293307.2); short protein forms H589Q, H687Q.
Identifiers: ClinVar variation 1785243 (VCV001785243.2), dbSNP rs768347496, ClinGen allele CA2320668.